The following is an entry in ClinVar:

ClinVar aggregate classification (germline): Uncertain significance (1 of 4 stars; one submission).

Conditions:
Epilepsy, childhood absence, susceptibility to, 1. Also called: Epilepsy, childhood absence 1. Identifiers: Orphanet 64280, MedGen C1838604, MONDO:0020759, OMIM 600131.
Epilepsy, childhood absence, susceptibility to, 5. Identifiers: Orphanet 64280, MedGen C2677087, MONDO:0012843, OMIM 612269.

Submission:

Labcorp Genetics (formerly Invitae), Labcorp
Classification: Uncertain significance for Epilepsy, childhood absence, susceptibility to, 5; Epilepsy, childhood absence, susceptibility to, 1. Last evaluated: 2022-05-25. Review status: criteria provided, single submitter. Criteria: Invitae Variant Classification Sherloc (09022015). Collection method: clinical testing. Allele origin: germline.
Comment: In summary, the available evidence is currently insufficient to determine the role of this variant in disease. Therefore, it has been classified as a Variant of Uncertain Significance. Advanced modeling of protein sequence and biophysical properties (such as structural, functional, and spatial information, amino acid conservation, physicochemical variation, residue mobility, and thermodynamic stability) performed at Invitae indicates that this missense variant is expected to disrupt GABRB3 protein function. This variant has not been reported in the literature in individuals affected with GABRB3-related conditions. This variant is not present in population databases (gnomAD no frequency). This sequence change replaces tyrosine, which is neutral and polar, with serine, which is neutral and polar, at codon 467 of the GABRB3 protein (p.Tyr467Ser).

NM_000814.6(GABRB3):c.1400A>C (p.Tyr467Ser)

Gene: GABRB3 (gamma-aminobutyric acid type A receptor subunit beta3; minus strand). Cytogenetic location: 15q12.
Variant type: single nucleotide variant.
Coding change: c.1400A>C on transcript NM_000814.6 (MANE Select); coding-DNA position 1400, A replaced by C.
Protein change: p.Tyr467Ser; replaces tyrosine 467 with serine.
Molecular consequence: missense variant.
Genome position (GRCh38, 1-based): chr15:26,547,815, T>G on the plus strand (A>C on the coding strand, the complement: GABRB3 is on the minus strand). VCF-style: chr15-26547815-T-G. GRCh37 (hg19) VCF-style: chr15-26792962-T-G.
Other names: c.1145A>C, p.Tyr382Ser (NM_001191320.2, NM_001278631.2); c.1187A>C, p.Tyr396Ser (NM_001191321.3); c.1400A>C, p.Tyr467Ser (NM_021912.5); short protein forms Y467S, Y382S, Y396S.
Identifiers: ClinVar variation 1999008 (VCV001999008.4), dbSNP rs2504113744, ClinGen allele CA391458432.
Genomic context (GRCh38, chr15:26,547,815, plus strand): 5'-GTGTTAAATGAAGTCTTTGAAAAATCAAGTACAGTCACTCAGTTAACATAGTACAGCCAG[T>G]AAACTAAGTTGAAAAGAGAAAAAGTGAATGGAAACACGATCCTGGACCATCTGTCTATGG-3'
Protein context (NP_000805.1, residues 457-473): PFTFSLFNLV[Tyr467Ser]WLYYVN